The following is an entry in ClinVar:

NM_014845.6(FIG4):c.1474C>T (p.Arg492Cys)

Gene: FIG4 (FIG4 phosphoinositide 5-phosphatase; plus strand). Cytogenetic location: 6q21.
Variant type: single nucleotide variant.
Coding change: c.1474C>T on transcript NM_014845.6 (MANE Select); coding-DNA position 1474, C replaced by T.
Protein change: p.Arg492Cys; replaces arginine 492 with cysteine.
Molecular consequence: missense variant.
Genome position (GRCh38, 1-based): chr6:109,765,052, C>T. VCF-style: chr6-109765052-C-T. GRCh37 (hg19) VCF-style: chr6-110086255-C-T.
Other names: short protein forms R492C.
Identifiers: ClinVar variation 694984 (VCV000694984.7), dbSNP rs747284213, ClinGen allele CA3956104.

ClinVar aggregate classification (germline): Conflicting classifications of pathogenicity. Review status: criteria provided, conflicting classifications (1 of 4 stars). 4 submissions from 4 submitters: Likely pathogenic (1); Uncertain significance (2). 1 of the submissions does not count toward it. Last evaluated 2023-06-19.

Conditions:
FIG4-related disorder. Also called: FIG4-related disorders; FIG4-related condition.
Yunis-Varon syndrome (YVS). Also called: Cleidocranial dysplasia, micrognathia, absent thumbs, & distal aphalangia. Identifiers: Orphanet 3472, MedGen C1857663, MONDO:0008995, OMIM 216340.
Charcot-Marie-Tooth disease. Also called: Charcot-Marie-Tooth Neuropathy; Charcot-Marie-Tooth Hereditary Neuropathy. Identifiers: Orphanet 166, MedGen C0007959, MONDO:0015626.
Charcot-Marie-Tooth disease type 4. Also called: Charcot-Marie-Tooth, Type 4; Charcot-Marie-Tooth disease, type IV. Identifiers: Orphanet 64749, MedGen C4082197, MONDO:0018995.

Allele frequency attached by ClinVar (database versions not stated): gnomAD exomes below 0.00001 and 0.00001; ExAC 0.00001; TOPMed 0.00001; gnomAD 0.00002.
gnomAD v4.1: 6 of 1,613,578 alleles (0.00037%); highest among the groups gnomAD compares: Admixed American, 0.0033%; no homozygotes.

Submissions (4):

Laboratoire de Génétique Moléculaire, CHU Bordeaux
Classification: Likely pathogenic for Yunis-Varon syndrome. Last evaluated: 2023-06-19. Review status: criteria provided, single submitter. Criteria: ACMG Guidelines, 2015. Collection method: clinical testing. Allele origin: germline. Affected: yes.

PreventionGenetics, part of Exact Sciences
Classification: Uncertain significance for FIG4-related condition. Last evaluated: 2022-12-19. Review status: criteria provided, single submitter. Criteria: ACMG Guidelines, 2015. Collection method: clinical testing. Allele origin: germline.
Comment: The FIG4 c.1474C>T variant is predicted to result in the amino acid substitution p.Arg492Cys. To our knowledge, this variant has not been reported in the literature. A different variant affecting the same amino acid (p.Arg492Pro) was reported in the compound heterozygous state in a family with cerebral hypomyelination (Lenk et al. 2019. PubMed ID: 30740813). This variant is reported in 0.0058% of alleles in individuals of Latino descent in gnomAD. Although we suspect that this variant may be pathogenic, at this time, the clinical significance of this variant is uncertain due to the absence of conclusive functional and genetic evidence.

Labcorp Genetics (formerly Invitae), Labcorp
Classification: Uncertain significance for Charcot-Marie-Tooth disease type 4. Last evaluated: 2022-07-19. Review status: criteria provided, single submitter. Criteria: Invitae Variant Classification Sherloc (09022015). Collection method: clinical testing. Allele origin: germline.
Comment: This sequence change replaces arginine, which is basic and polar, with cysteine, which is neutral and slightly polar, at codon 492 of the FIG4 protein (p.Arg492Cys). This variant is present in population databases (rs747284213, gnomAD 0.006%). This variant has not been reported in the literature in individuals affected with FIG4-related conditions. ClinVar contains an entry for this variant (Variation ID: 694984). Algorithms developed to predict the effect of missense changes on protein structure and function output the following: SIFT: "Deleterious"; PolyPhen-2: "Probably Damaging"; Align-GVGD: "Class C25". The cysteine amino acid residue is found in multiple mammalian species, which suggests that this missense change does not adversely affect protein function. In summary, the available evidence is currently insufficient to determine the role of this variant in disease. Therefore, it has been classified as a Variant of Uncertain Significance.

Genesis Genome Database
Classification: Uncertain significance for Charcot-Marie-Tooth disease. Last evaluated: 2019-08-14. Review status: no assertion criteria provided. Collection method: research. Allele origin: germline. Affected: yes. Not counted in ClinVar's aggregate classification.